The following is an entry in ClinVar:

ClinVar aggregate classification (germline): Likely benign (0 of 4 stars; one submission).

Conditions:
SHROOM2-related disorder. Also called: SHROOM2-related condition.

Allele frequency attached by ClinVar (database versions not stated): TOPMed below 0.00001; gnomAD 0.00001; gnomAD exomes 0.00001.
gnomAD v4.1: 13 of 1,209,056 alleles (0.0011%); highest among the groups gnomAD compares: Admixed American, 0.0022%; no homozygotes.

Submission:

PreventionGenetics, part of Exact Sciences
Classification: Likely benign for SHROOM2-related condition. Last evaluated: 2019-04-05. Review status: no assertion criteria provided. Collection method: clinical testing. Allele origin: germline.
Comment: This variant is classified as likely benign based on ACMG/AMP sequence variant interpretation guidelines (Richards et al. 2015 PMID: 25741868, with internal and published modifications).

NM_001649.4(SHROOM2):c.3237C>T (p.Asp1079=)

Gene: SHROOM2 (shroom family member 2; plus strand). Cytogenetic location: Xp22.2.
Variant type: single nucleotide variant.
Coding change: c.3237C>T on transcript NM_001649.4 (MANE Select); coding-DNA position 3237, C replaced by T.
Protein change: p.Asp1079=; no amino-acid change (aspartic acid 1079 retained).
Molecular consequence: synonymous variant. On other transcripts: 5 prime UTR variant (2).
Genome position (GRCh38, 1-based): chrX:9,932,520, C>T. VCF-style: chrX-9932520-C-T. GRCh37 (hg19) VCF-style: chrX-9900560-C-T.
Other names: c.-259C>T (NM_001320663.2, NM_001320664.2).
Identifiers: ClinVar variation 3046794 (VCV003046794.2), dbSNP rs1041685317, ClinGen allele CA326588764.